The following is an entry in ClinVar:

ClinVar aggregate classification (germline): Pathogenic (1 of 4 stars; one submission).

Conditions:
Acute myeloid leukemia (AML). Also called: Acute myeloid leukemia, adult; AML adult; Acute non-lymphocytic leukemia; Acute granulocytic leukemia; Leukemia, acute myeloid, somatic; Leukemia, acute myelogenous, somatic. Identifiers: Orphanet 519, MedGen C0023467, MeSH D015470, MONDO:0018874, OMIM 601626, HP:0004808. Disease mechanism: Constitutively activated FLT3.

Submission:

Zero Childhood Cancer Program, Children's Cancer Institute
Classification: Pathogenic for Acute myeloid leukemia. Last evaluated: 2025-08-18. Review status: criteria provided, single submitter. Criteria: Zero Childhood Cancer Program Assertion Criteria November2025. Collection method: research. Allele origin: germline. Inheritance: Autosomal dominant inheritance. Affected: yes.
Comment: The c.63_64delCCinsA (p.Ser21ArgfsTer139) variant in CEBPA is a frameshift variant predicted to cause a premature stop codon in the N-terminal region of exon 1 of 1 (PVS1; PMID: 15575056). This variant is absent from gnomAD v4 (PM2_Supporting). Truncating variants in the N-terminal region disrupt the production of the full-length isoform (p42) of the CEBPA protein, which results in the preferential usage of an alternate downstream in-frame methionine at codon 120. Translation starting from this methionine results in a 30 kDa N-terminal truncated isoform of CEBPA that lacks the transcription activation domain 1 (TAD1) domain, and has been shown to abrogate CEBPA function by acting as a dominant-negative allele (PMID: 11242107). For these reasons, this variant has been classified as pathogenic.

Literature cited by the submitters: PubMed 11242107; PubMed 15575056.

NM_004364.5(CEBPA):c.63_64delinsA (p.Ser21fs)

Gene: CEBPA (CCAAT enhancer binding protein alpha; minus strand). Cytogenetic location: 19q13.11.
Variant type: Indel.
Coding change: c.63_64delinsA on transcript NM_004364.5 (MANE Select); coding-DNA positions 63 to 64, CC replaced by A.
Protein change: p.Ser21fs; shifts the reading frame from serine 21.
Molecular consequence: frameshift variant. On other transcripts: 5 prime UTR variant (1).
Genome position (GRCh38, 1-based): chr19:33,302,351-33,302,352, GG replaced by T on the plus strand (CC replaced by A on the coding strand, the reverse complement: CEBPA is on the minus strand). VCF-style: chr19-33302351-GG-T. GRCh37 (hg19) VCF-style: chr19-33793257-GG-T.
Other names: c.-295_-294delinsA (NM_001285829.2); c.168_169delinsA, p.Ser56fs (NM_001287424.2); c.21_22delinsA, p.Ser7fs (NM_001287435.2); c.63_64delCCinsA (NM_004364.5); short protein forms S21fs, S56fs, S7fs.
Identifiers: ClinVar variation 4528372 (VCV004528372.1).